The following is an entry in ClinVar:

NM_020297.4(ABCC9):c.3145C>T (p.Leu1049Phe)

Gene: ABCC9 (ATP binding cassette subfamily C member 9; minus strand). Cytogenetic location: 12p12.1.
Variant type: single nucleotide variant.
Coding change: c.3145C>T on transcript NM_020297.4 (MANE Select); coding-DNA position 3145, C replaced by T.
Protein change: p.Leu1049Phe; replaces leucine 1049 with phenylalanine.
Molecular consequence: missense variant.
Genome position (GRCh38, 1-based): chr12:21,844,867, G>A on the plus strand (C>T on the coding strand, the complement: ABCC9 is on the minus strand). VCF-style: chr12-21844867-G-A. GRCh37 (hg19) VCF-style: chr12-21997801-G-A.
Other names: c.3145C>T, p.Leu1049Phe (NM_001377273.1, NM_005691.4); c.2278C>T, p.Leu760Phe (NM_001377274.1); short protein forms L1049F, L760F.
Identifiers: ClinVar variation 3628324 (VCV003628324.2).
Genomic context (GRCh38, chr12:21,844,867, plus strand): 5'-GAAGATTTTTGGCAGCTGTGAGACCCATCCATTCTACAGTGAGGGATGTAACAAGGCAAA[G>A]GAAAATGCCTGCTCCACAGAGTATGCTAAAGCCAGCCACATAGTAGGTCTAAAAAGCAAC-3'
Protein context (NP_064693.2, residues 1039-1059): FSILCGAGIF[Leu1049Phe]CLVTSLTVEW

ClinVar aggregate classification (germline): Uncertain significance (1 of 4 stars; one submission).

Conditions:
Dilated cardiomyopathy 1O (CMD1O). Also called: CARDIOMYOPATHY, DILATED, WITH VENTRICULAR TACHYCARDIA. Identifiers: Orphanet 154, MedGen C1837839, MONDO:0012062, OMIM 608569.

Submission:

Labcorp Genetics (formerly Invitae), Labcorp
Classification: Uncertain significance for Dilated cardiomyopathy 1O. Last evaluated: 2024-09-23. Review status: criteria provided, single submitter. Criteria: Invitae Variant Classification Sherloc (09022015). Collection method: clinical testing. Allele origin: germline.
Comment: This sequence change replaces leucine, which is neutral and non-polar, with phenylalanine, which is neutral and non-polar, at codon 1049 of the ABCC9 protein (p.Leu1049Phe). This variant is not present in population databases (gnomAD no frequency). This variant has not been reported in the literature in individuals affected with ABCC9-related conditions. Invitae Evidence Modeling of protein sequence and biophysical properties (such as structural, functional, and spatial information, amino acid conservation, physicochemical variation, residue mobility, and thermodynamic stability) has been performed for this missense variant. However, the output from this modeling did not meet the statistical confidence thresholds required to predict the impact of this variant on ABCC9 protein function. In summary, the available evidence is currently insufficient to determine the role of this variant in disease. Therefore, it has been classified as a Variant of Uncertain Significance.